The following is an entry in ClinVar:

ClinVar aggregate classification (germline): Conflicting classifications of pathogenicity. Review status: criteria provided, conflicting classifications (1 of 4 stars). 2 submissions from 2 submitters: Likely pathogenic (1); Uncertain significance (1). Last evaluated 2025-09-07.

Conditions:
TTLL5-related disorder. Also called: TTLL5-related condition.

Allele frequency attached by ClinVar (database versions not stated): ExAC 0.00002; gnomAD 0.00003.

Submissions (2):

Labcorp Genetics (formerly Invitae), Labcorp
Classification: Uncertain significance. Last evaluated: 2025-09-07. Review status: criteria provided, single submitter. Criteria: Invitae Variant Classification Sherloc (09022015). Collection method: clinical testing. Allele origin: germline.
Comment: This sequence change replaces arginine, which is basic and polar, with cysteine, which is neutral and slightly polar, at codon 209 of the TTLL5 protein (p.Arg209Cys). This variant is present in population databases (rs757525224, gnomAD 0.007%). This missense change has been observed in individual(s) with clinical features of TTLL5-related conditions (PMID: 33851411; internal data). ClinVar contains an entry for this variant (Variation ID: 1405383). Invitae Evidence Modeling of protein sequence and biophysical properties (such as structural, functional, and spatial information, amino acid conservation, physicochemical variation, residue mobility, and thermodynamic stability) has been performed for this missense variant. However, the output from this modeling did not meet the statistical confidence thresholds required to predict the impact of this variant on TTLL5 protein function. In summary, the available evidence is currently insufficient to determine the role of this variant in disease. Therefore, it has been classified as a Variant of Uncertain Significance.

Blueprint Genetics
Classification: Likely pathogenic for TTLL5-related disorders. Last evaluated: 2023-09-26. Review status: criteria provided, single submitter. Criteria: ACMG Guidelines, 2015. Collection method: clinical testing. Allele origin: germline. Affected: yes. Observed: 5 variant alleles.

Literature cited by the submitters: PubMed 33851411 (cited by Labcorp Genetics (formerly Invitae), Labcorp).

NM_015072.5(TTLL5):c.625C>T (p.Arg209Cys)

Gene: TTLL5 (tubulin tyrosine ligase like 5; plus strand). Cytogenetic location: 14q24.3.
Variant type: single nucleotide variant.
Coding change: c.625C>T on transcript NM_015072.5 (MANE Select); coding-DNA position 625, C replaced by T.
Protein change: p.Arg209Cys; replaces arginine 209 with cysteine.
Molecular consequence: missense variant.
Genome position (GRCh38, 1-based): chr14:75,707,057, C>T. VCF-style: chr14-75707057-C-T. GRCh37 (hg19) VCF-style: chr14-76173400-C-T.
Other names: short protein forms R209C.
Identifiers: ClinVar variation 1405383 (VCV001405383.5), dbSNP rs757525224, ClinGen allele CA7279008.
Genomic context (GRCh38, chr14:75,707,057, plus strand): 5'-TTCTTTCTCTTTACTCAATAGCCAAACCAGATCTCCCTGGAAGAGAACATTTTGGTCTCC[C>T]GTTACATTAACAACCCCCTGCTCATAGATGGTGAGTTGTGATTAGGCCCTTGACCAAATT-3'
Protein context (NP_055887.3, residues 199-219): ISLEENILVS[Arg209Cys]YINNPLLIDD